The following is an entry in ClinVar:

ClinVar aggregate classification (germline): Pathogenic (1 of 4 stars; one submission).

Submission:

Labcorp Genetics (formerly Invitae), Labcorp
Classification: Pathogenic. Last evaluated: 2021-07-30. Review status: criteria provided, single submitter. Criteria: Invitae Variant Classification Sherloc (09022015). Collection method: clinical testing. Allele origin: germline.
Comment: For these reasons, this variant has been classified as Pathogenic. This variant disrupts a region of the AQP2 protein in which other variant(s) (p.Pro262Leu) have been determined to be pathogenic (PMID: 9550615, 15509592). This suggests that this is a clinically significant region of the protein, and that variants that disrupt it are likely to be disease-causing. This variant has not been reported in the literature in individuals affected with AQP2-related conditions. This variant results in the deletion of part of exon 3 and exon 4 (c.586_*8527delinsTGCTTTCTCATGAC) of the AQP2 gene. While this deletion is not anticipated to lead to nonsense mediated decay, it is expected to alter mRNA translation or result in a truncated protein product.

Literature cited by the submitters: PubMed 9550615; PubMed 15509592.

NC_000012.11:g.(?_50348473)_(50357918_?)del

Genes: AQP2 (aquaporin 2; plus strand), AQP5 (aquaporin 5; plus strand). Cytogenetic location: 12q13.12.
Variant type: Deletion.
Identifiers: ClinVar variation 1455013 (VCV001455013.4).